The following is an entry in ClinVar:

ClinVar aggregate classification (germline): Likely benign (1 of 4 stars; one submission).

Conditions:
Weill-Marchesani 4 syndrome, recessive. Also called: Weill-Marchesani syndrome 4. Identifiers: Orphanet 363992, MedGen C2750787, MONDO:0013176, OMIM 613195.

Allele frequency attached by ClinVar (database versions not stated): 1000 Genomes Project 30x 0.00265; 1000 Genomes Project 0.00319; TOPMed 0.00340; gnomAD 0.00381 and 0.00401; gnomAD exomes 0.02500.
gnomAD v4.1: 604 of 152,178 alleles (0.4%); highest among the groups gnomAD compares: South Asian, 0.83%; 1 homozygote.

Submission:

Illumina Laboratory Services, Illumina
Classification: Likely benign for Weill-Marchesani 4 syndrome, recessive. Last evaluated: 2018-01-13. Review status: criteria provided, single submitter. Criteria: ICSL Variant Classification Criteria 13 December 2019. Collection method: clinical testing. Allele origin: germline.
Comment: This variant was observed in the ICSL laboratory as part of a predisposition screen in an ostensibly healthy population. It had not been previously curated by ICSL or reported in the Human Gene Mutation Database (HGMD: prior to June 1st, 2018), and was therefore a candidate for classification through an automated scoring system. Utilizing variant allele frequency, disease prevalence and penetrance estimates, and inheritance mode, an automated score was calculated to assess if this variant is too frequent to cause the disease. Based on the score and internal cut-off values, a variant classified as likely benign is not then subjected to further curation. The score for this variant resulted in a classification of likely benign for this disease.

NM_139057.4(ADAMTS17):c.*1315C>T

Gene: ADAMTS17 (ADAM metallopeptidase with thrombospondin type 1 motif 17; minus strand). Cytogenetic location: 15q26.3.
Variant type: single nucleotide variant.
Coding change: c.*1315C>T on transcript NM_139057.4 (MANE Select); 1315 bases downstream of the stop codon, C replaced by T.
Molecular consequence: 3 prime UTR variant.
Genome position (GRCh38, 1-based): chr15:99,973,087, G>A on the plus strand (C>T on the coding strand, the complement: ADAMTS17 is on the minus strand). VCF-style: chr15-99973087-G-A. GRCh37 (hg19) VCF-style: chr15-100513292-G-A.
Identifiers: ClinVar variation 315189 (VCV000315189.5), dbSNP rs185582795, ClinGen allele CA10642836.